The following is an entry in ClinVar:

NM_006662.3(SRCAP):c.3707-1G>C

Gene: SRCAP (Snf2 related CREBBP activator protein; plus strand). Cytogenetic location: 16p11.2.
Variant type: single nucleotide variant.
Coding change: c.3707-1G>C on transcript NM_006662.3 (MANE Select); the canonical splice acceptor site of the intron before coding-DNA position 3707, G replaced by C.
Molecular consequence: splice acceptor variant.
Genome position (GRCh38, 1-based): chr16:30,722,562, G>C. VCF-style: chr16-30722562-G-C. GRCh37 (hg19) VCF-style: chr16-30733883-G-C.
Identifiers: ClinVar variation 1305020 (VCV001305020.2), dbSNP rs2151293419, ClinGen allele CA395614549.
Genomic context (GRCh38, chr16:30,722,562, plus strand): 5'-CCTCTGCCCTCCTCAGGCTGATAGCTGCTTCTCTCTCTCTTTCTCTCTTCCCTTAACCCA[G>C]GGAATGTGGTGCACCTCGTGTCAGCAGGGGGGCAGCACCATCTCATCAGCCAGCCTGCCC-3'

ClinVar aggregate classification (germline): Uncertain significance (1 of 4 stars; one submission).

Submission:

GeneDx
Classification: Uncertain significance. Last evaluated: 2019-04-12. Review status: criteria provided, single submitter. Criteria: GeneDx Variant Classification Process June 2021. Collection method: clinical testing. Allele origin: germline. Affected: yes.
Comment: Not observed in large population cohorts (Lek et al., 2016); Canonical splice site variant predicted to result in abnormal splicing; Has not been previously published as pathogenic or benign to our knowledge